The following is an entry in ClinVar:

NM_015178.3(RHOBTB2):c.802G>A (p.Val268Ile)

Gene: RHOBTB2 (Rho related BTB domain containing 2; plus strand). Cytogenetic location: 8p21.3.
Variant type: single nucleotide variant.
Coding change: c.802G>A on transcript NM_015178.3 (MANE Select); coding-DNA position 802, G replaced by A.
Protein change: p.Val268Ile; replaces valine 268 with isoleucine.
Molecular consequence: missense variant.
Genome position (GRCh38, 1-based): chr8:23,007,047, G>A. VCF-style: chr8-23007047-G-A. GRCh37 (hg19) VCF-style: chr8-22864560-G-A.
Other names: c.868G>A, p.Val290Ile (NM_001160036.2); c.823G>A, p.Val275Ile (NM_001160037.2); c.802G>A, p.Val268Ile (NM_001374791.1); c.868G>A (NM_001160036.1); short protein forms V275I, V290I, V268I.
Identifiers: ClinVar variation 1386940 (VCV001386940.8), dbSNP rs140190863, ClinGen allele CA4672543.

ClinVar aggregate classification (germline): Benign. Review status: criteria provided, single submitter (1 of 4 stars). 2 submissions from 2 submitters: Benign (1). 1 of the submissions does not count toward it. Last evaluated 2026-01-09.

Conditions:
RHOBTB2-related disorder. Also called: RHOBTB2-related condition.

Allele frequency attached by ClinVar (database versions not stated): gnomAD exomes 0.00001 and 0.00003; ExAC 0.00002; gnomAD 0.00010 and 0.00012; TOPMed 0.00013; ESP Exome Variant Server 0.00015.
gnomAD v4.1: 33 of 1,609,706 alleles (0.0021%); highest among the groups gnomAD compares: African/African-American, 0.028%; no homozygotes.

Submissions (2):

Labcorp Genetics (formerly Invitae), Labcorp
Classification: Benign. Last evaluated: 2026-01-09. Review status: criteria provided, single submitter. Criteria: Invitae Variant Classification Sherloc (09022015). Collection method: clinical testing. Allele origin: germline.

PreventionGenetics, part of Exact Sciences
Classification: Uncertain significance for RHOBTB2-related condition. Last evaluated: 2024-01-09. Review status: no assertion criteria provided. Collection method: clinical testing. Allele origin: germline. Not counted in ClinVar's aggregate classification.
Comment: The RHOBTB2 c.868G>A variant is predicted to result in the amino acid substitution p.Val290Ile. To our knowledge, this variant has not been reported in the literature. This variant is reported in 0.028% of alleles in individuals of African descent in gnomAD. At this time, the clinical significance of this variant is uncertain due to the absence of conclusive functional and genetic evidence.